The following is an entry in ClinVar:

ClinVar aggregate classification (germline): Uncertain significance. Review status: criteria provided, multiple submitters, no conflicts (2 of 4 stars). 2 submissions from 2 submitters: Uncertain significance (2). Last evaluated 2024-04-05.

Conditions:
Oligodontia-cancer predisposition syndrome. Also called: TOOTH AGENESIS-COLORECTAL CANCER SYNDROME. Identifiers: Orphanet 300576, MedGen C1837750, MONDO:0012075, OMIM 608615. Disease mechanism: loss of function.
Hereditary cancer-predisposing syndrome. Also called: Neoplastic Syndromes, Hereditary; Tumor predisposition; Hereditary neoplastic syndrome; Hereditary Cancer Syndrome. Identifiers: Orphanet 140162, MedGen C0027672, MeSH D009386, MONDO:0015356.

gnomAD v4.1: 2 of 1,612,346 alleles (0.00012%); highest among the groups gnomAD compares: Non-Finnish European, 0.00017%; no homozygotes.

Submissions (2):

Labcorp Genetics (formerly Invitae), Labcorp
Classification: Uncertain significance for Oligodontia-cancer predisposition syndrome. Last evaluated: 2024-04-05. Review status: criteria provided, single submitter. Criteria: Invitae Variant Classification Sherloc (09022015). Collection method: clinical testing. Allele origin: germline.
Comment: This sequence change replaces alanine, which is neutral and non-polar, with serine, which is neutral and polar, at codon 594 of the AXIN2 protein (p.Ala594Ser). This variant is not present in population databases (gnomAD no frequency). This variant has not been reported in the literature in individuals affected with AXIN2-related conditions. ClinVar contains an entry for this variant (Variation ID: 581486). An algorithm developed to predict the effect of missense changes on protein structure and function (PolyPhen-2) suggests that this variant is likely to be tolerated. In summary, the available evidence is currently insufficient to determine the role of this variant in disease. Therefore, it has been classified as a Variant of Uncertain Significance.

Ambry Genetics
Classification: Uncertain significance for Hereditary cancer-predisposing syndrome. Last evaluated: 2023-01-28. Review status: criteria provided, single submitter. Criteria: Ambry Variant Classification Scheme 2023. Collection method: clinical testing. Allele origin: germline.
Comment: The p.A594S variant (also known as c.1780G>T), located in coding exon 6 of the AXIN2 gene, results from a G to T substitution at nucleotide position 1780. The alanine at codon 594 is replaced by serine, an amino acid with similar properties. This amino acid position is conserved. In addition, this alteration is predicted to be tolerated by in silico analysis. Since supporting evidence is limited at this time, the clinical significance of this alteration remains unclear.

NM_004655.4(AXIN2):c.1780G>T (p.Ala594Ser)

Gene: AXIN2 (axin 2; minus strand). Cytogenetic location: 17q24.1.
Variant type: single nucleotide variant.
Coding change: c.1780G>T on transcript NM_004655.4 (MANE Select); coding-DNA position 1780, G replaced by T.
Protein change: p.Ala594Ser; replaces alanine 594 with serine.
Molecular consequence: missense variant. On other transcripts: intron variant (1).
Genome position (GRCh38, 1-based): chr17:65,536,996, C>A on the plus strand (G>T on the coding strand, the complement: AXIN2 is on the minus strand). VCF-style: chr17-65536996-C-A. GRCh37 (hg19) VCF-style: chr17-63533114-C-A.
Other names: c.1780G>T (LRG_296t1); c.1712+328G>T (NM_001363813.1); short protein forms A594S.
Identifiers: ClinVar variation 581486 (VCV000581486.10), dbSNP rs876660965, ClinGen allele CA400676636.